The following is an entry in ClinVar:

ClinVar aggregate classification (germline): Uncertain significance. Review status: criteria provided, multiple submitters, no conflicts (2 of 4 stars). 2 submissions from 2 submitters: Uncertain significance (2). Last evaluated 2024-01-31.

Conditions:
Chuvash polycythemia. Also called: POLYCYTHEMIA, VHL-DEPENDENT. Identifiers: Orphanet 238557, MedGen C1837915, MONDO:0009892, OMIM 263400.
Von Hippel-Lindau syndrome (VHLS). Also called: Von Hippel-Lindau; VHL syndrome; von Hippel–Lindau syndrome. Identifiers: Orphanet 892, MedGen C0019562, MONDO:0008667, OMIM 193300. Disease mechanism: loss of function.
Hereditary cancer-predisposing syndrome. Also called: Tumor predisposition; Hereditary neoplastic syndrome; Neoplastic Syndromes, Hereditary; Hereditary Cancer Syndrome. Identifiers: Orphanet 140162, MedGen C0027672, MeSH D009386, MONDO:0015356.

Submissions (2):

Ambry Genetics
Classification: Uncertain significance for Hereditary cancer-predisposing syndrome. Last evaluated: 2024-01-31. Review status: criteria provided, single submitter. Criteria: Ambry Variant Classification Scheme 2023. Collection method: clinical testing. Allele origin: germline.
Comment: The p.E21K variant (also known as c.61G>A), located in coding exon 1 of the VHL gene, results from a G to A substitution at nucleotide position 61. The glutamic acid at codon 21 is replaced by lysine, an amino acid with similar properties. This amino acid position is highly conserved in available vertebrate species. In addition, the in silico prediction for this alteration is inconclusive. Based on the available evidence, the clinical significance of this alteration remains unclear.

Labcorp Genetics (formerly Invitae), Labcorp
Classification: Uncertain significance for Von Hippel-Lindau syndrome; Chuvash polycythemia. Last evaluated: 2023-10-27. Review status: criteria provided, single submitter. Criteria: Invitae Variant Classification Sherloc (09022015). Collection method: clinical testing. Allele origin: germline.
Comment: This sequence change replaces glutamic acid, which is acidic and polar, with lysine, which is basic and polar, at codon 21 of the VHL protein (p.Glu21Lys). This variant is not present in population databases (gnomAD no frequency). This variant has not been reported in the literature in individuals affected with VHL-related conditions. ClinVar contains an entry for this variant (Variation ID: 1500381). Advanced modeling of protein sequence and biophysical properties (such as structural, functional, and spatial information, amino acid conservation, physicochemical variation, residue mobility, and thermodynamic stability) performed at Invitae indicates that this missense variant is not expected to disrupt VHL protein function with a negative predictive value of 95%. In summary, the available evidence is currently insufficient to determine the role of this variant in disease. Therefore, it has been classified as a Variant of Uncertain Significance.

NM_000551.4(VHL):c.61G>A (p.Glu21Lys)

Gene: VHL (von Hippel-Lindau tumor suppressor; plus strand). Cytogenetic location: 3p25.3.
Variant type: single nucleotide variant.
Coding change: c.61G>A on transcript NM_000551.4 (MANE Select); coding-DNA position 61, G replaced by A.
Protein change: p.Glu21Lys; replaces glutamic acid 21 with lysine.
Molecular consequence: missense variant.
Genome position (GRCh38, 1-based): chr3:10,141,908, G>A. VCF-style: chr3-10141908-G-A. GRCh37 (hg19) VCF-style: chr3-10183592-G-A.
Other names: c.61G>A, p.Glu21Lys (NM_001354723.2, NM_198156.3); c.61G>A (NM_000551.3); short protein forms E21K.
Identifiers: ClinVar variation 1500381 (VCV001500381.9), dbSNP rs2125124562, ClinGen allele CA351747330.